The following is an entry in ClinVar:

NM_004360.5(CDH1):c.1777C>A (p.Pro593Thr)

Gene: CDH1 (cadherin 1; plus strand). Cytogenetic location: 16q22.1.
Variant type: single nucleotide variant.
Coding change: c.1777C>A on transcript NM_004360.5 (MANE Select); coding-DNA position 1777, C replaced by A.
Protein change: p.Pro593Thr; replaces proline 593 with threonine.
Molecular consequence: missense variant. On other transcripts: 5 prime UTR variant (1).
Genome position (GRCh38, 1-based): chr16:68,822,066, C>A. VCF-style: chr16-68822066-C-A. GRCh37 (hg19) VCF-style: chr16-68855969-C-A.
Other names: c.1594C>A, p.Pro532Thr (NM_001317184.2); c.229C>A, p.Pro77Thr (NM_001317185.2); c.-189C>A (NM_001317186.2); short protein forms P532T, P593T, P77T.
Identifiers: ClinVar variation 1779899 (VCV001779899.2), dbSNP rs2152138277, ClinGen allele CA396466595.
Genomic context (GRCh38, chr16:68,822,066, plus strand): 5'-CCAGTTGCTACTGGAACAGGGACACTTCTGCTGATCCTGTCTGATGTGAATGACAACGCC[C>A]CCATACCAGAACCTCGAACTATATTCTTCTGTGAGAGGAATCCAAAGCCTCAGGTCATAA-3'
Protein context (NP_004351.1, residues 583-603): LILSDVNDNA[Pro593Thr]IPEPRTIFFC

ClinVar aggregate classification (germline): Uncertain significance (1 of 4 stars; one submission).

Conditions:
Hereditary cancer-predisposing syndrome. Also called: Neoplastic Syndromes, Hereditary; Tumor predisposition; Hereditary Cancer Syndrome; Hereditary neoplastic syndrome. Identifiers: Orphanet 140162, MedGen C0027672, MeSH D009386, MONDO:0015356.

Submission:

Ambry Genetics
Classification: Uncertain significance for Hereditary cancer-predisposing syndrome. Last evaluated: 2022-01-13. Review status: criteria provided, single submitter. Criteria: Ambry Variant Classification Scheme 2023. Collection method: clinical testing. Allele origin: germline.
Comment: The p.P593T variant (also known as c.1777C>A), located in coding exon 12 of the CDH1 gene, results from a C to A substitution at nucleotide position 1777. The proline at codon 593 is replaced by threonine, an amino acid with highly similar properties. This amino acid position is conserved. In addition, this alteration is predicted to be deleterious by in silico analysis. Since supporting evidence is limited at this time, the clinical significance of this alteration remains unclear.